The following is an entry in ClinVar:

NM_032043.3(BRIP1):c.3006G>C (p.Trp1002Cys)

Gene: BRIP1 (BRCA1 interacting DNA helicase 1; minus strand). Cytogenetic location: 17q23.2.
Variant type: single nucleotide variant.
Coding change: c.3006G>C on transcript NM_032043.3 (MANE Select); coding-DNA position 3006, G replaced by C.
Protein change: p.Trp1002Cys; replaces tryptophan 1002 with cysteine.
Molecular consequence: missense variant.
Genome position (GRCh38, 1-based): chr17:61,684,040, C>G on the plus strand (G>C on the coding strand, the complement: BRIP1 is on the minus strand). VCF-style: chr17-61684040-C-G. GRCh37 (hg19) VCF-style: chr17-59761401-C-G.
Other names: short protein forms W1002C.
Identifiers: ClinVar variation 233222 (VCV000233222.8), dbSNP rs546083449, ClinGen allele CA8690411.

ClinVar aggregate classification (germline): Uncertain significance. Review status: criteria provided, multiple submitters, no conflicts (2 of 4 stars). 2 submissions from 2 submitters: Uncertain significance (2). Last evaluated 2025-11-11.

Conditions:
Fanconi anemia complementation group J. Also called: BRIP1-Related Fanconi Anemia. Identifiers: Orphanet 84, MedGen C1836860, MONDO:0012187, OMIM 609054.
Familial cancer of breast. Also called: hereditary breast carcinoma; BREAST CANCER, FAMILIAL; Hereditary breast cancer. Identifiers: Orphanet 227535, MedGen C0346153, MONDO:0016419, OMIM 114480. Disease mechanism: loss of function.
Hereditary cancer-predisposing syndrome. Also called: Tumor predisposition; Hereditary Cancer Syndrome; Hereditary neoplastic syndrome; Neoplastic Syndromes, Hereditary. Identifiers: Orphanet 140162, MedGen C0027672, MeSH D009386, MONDO:0015356.

Allele frequency attached by ClinVar (database versions not stated): gnomAD 0.00001; 1000 Genomes Project 0.00020; 1000 Genomes Project 30x 0.00031.
gnomAD v4.1: 3 of 1,613,866 alleles (0.00019%); highest among the groups gnomAD compares: Non-Finnish European, 0.00017%; no homozygotes.

Submissions (2):

Ambry Genetics
Classification: Uncertain significance for Hereditary cancer-predisposing syndrome. Last evaluated: 2025-11-11. Review status: criteria provided, single submitter. Criteria: Ambry Variant Classification Scheme 2023. Collection method: clinical testing. Allele origin: germline.
Comment: The p.W1002C variant (also known as c.3006G>C), located in coding exon 19 of the BRIP1 gene, results from a G to C substitution at nucleotide position 3006. The tryptophan at codon 1002 is replaced by cysteine, an amino acid with highly dissimilar properties. This amino acid position is not well conserved in available vertebrate species. In addition, this alteration is predicted to be tolerated by in silico analysis. Since supporting evidence is limited at this time, the clinical significance of this alteration remains unclear.

Labcorp Genetics (formerly Invitae), Labcorp
Classification: Uncertain significance for Familial cancer of breast; Fanconi anemia complementation group J. Last evaluated: 2024-04-24. Review status: criteria provided, single submitter. Criteria: Invitae Variant Classification Sherloc (09022015). Collection method: clinical testing. Allele origin: germline.
Comment: This sequence change replaces tryptophan, which is neutral and slightly polar, with cysteine, which is neutral and slightly polar, at codon 1002 of the BRIP1 protein (p.Trp1002Cys). This variant is present in population databases (rs546083449, gnomAD 0.0009%). This variant has not been reported in the literature in individuals affected with BRIP1-related conditions. ClinVar contains an entry for this variant (Variation ID: 233222). Algorithms developed to predict the effect of missense changes on protein structure and function output the following: SIFT: "Not Available"; PolyPhen-2: "Benign"; Align-GVGD: "Not Available". The cysteine amino acid residue is found in multiple mammalian species, which suggests that this missense change does not adversely affect protein function. In summary, the available evidence is currently insufficient to determine the role of this variant in disease. Therefore, it has been classified as a Variant of Uncertain Significance.